The following is an entry in ClinVar:

ClinVar aggregate classification (germline): Uncertain significance. Review status: criteria provided, multiple submitters, no conflicts (2 of 4 stars). 2 submissions from 2 submitters: Uncertain significance (2). Last evaluated 2025-03-12.

Conditions:
Distal hereditary motor neuropathy type 2. Identifiers: Orphanet 139525, MedGen C3711384, MeSH C580044, MONDO:0015352.

Allele frequency attached by ClinVar (database versions not stated): gnomAD exomes below 0.00001; gnomAD 0.00001; TOPMed 0.00002.
gnomAD v4.1: 3 of 1,614,004 alleles (0.00019%); highest among the groups gnomAD compares: African/African-American, 0.0013%; no homozygotes.

Submissions (2):

Labcorp Genetics (formerly Invitae), Labcorp
Classification: Uncertain significance for Distal hereditary motor neuropathy type 2. Last evaluated: 2025-03-12. Review status: criteria provided, single submitter. Criteria: Invitae Variant Classification Sherloc (09022015). Collection method: clinical testing. Allele origin: germline.
Comment: This sequence change replaces lysine, which is basic and polar, with threonine, which is neutral and polar, at codon 1086 of the FBXO38 protein (p.Lys1086Thr). This variant is present in population databases (no rsID available, gnomAD 0.0009%). This variant has not been reported in the literature in individuals affected with FBXO38-related conditions. ClinVar contains an entry for this variant (Variation ID: 1023991). An algorithm developed to predict the effect of missense changes on protein structure and function (PolyPhen-2) suggests that this variant is likely to be disruptive. In summary, the available evidence is currently insufficient to determine the role of this variant in disease. Therefore, it has been classified as a Variant of Uncertain Significance.

Ambry Genetics
Classification: Uncertain significance. Last evaluated: 2019-11-05. Review status: criteria provided, single submitter. Criteria: Ambry Variant Classification Scheme 2023. Collection method: clinical testing. Allele origin: germline.
Comment: The p.K1161T variant (also known as c.3482A>C), located in coding exon 21 of the FBXO38 gene, results from an A to C substitution at nucleotide position 3482. The lysine at codon 1161 is replaced by threonine, an amino acid with similar properties. This amino acid position is well conserved in available vertebrate species. In addition, this alteration is predicted to be tolerated by in silico analysis. Since supporting evidence is limited at this time, the clinical significance of this alteration remains unclear.

NM_205836.3(FBXO38):c.3482A>C (p.Lys1161Thr)

Gene: FBXO38 (F-box protein 38; plus strand). Cytogenetic location: 5q32.
Variant type: single nucleotide variant.
Coding change: c.3482A>C on transcript NM_205836.3 (MANE Select); coding-DNA position 3482, A replaced by C.
Protein change: p.Lys1161Thr; replaces lysine 1161 with threonine.
Molecular consequence: missense variant.
Genome position (GRCh38, 1-based): chr5:148,442,062, A>C. VCF-style: chr5-148442062-A-C. GRCh37 (hg19) VCF-style: chr5-147821625-A-C.
Other names: c.2747A>C, p.Lys916Thr (NM_001271723.2); c.3257A>C, p.Lys1086Thr (NM_030793.5); short protein forms K1086T, K1161T, K916T.
Identifiers: ClinVar variation 1023991 (VCV001023991.12), dbSNP rs997254848, ClinGen allele CA128957219.